The following is an entry in ClinVar:

ClinVar aggregate classification (germline): Conflicting classifications of pathogenicity. Review status: criteria provided, conflicting classifications (1 of 4 stars). 4 submissions from 4 submitters: Uncertain significance (3); Likely benign (1). Last evaluated 2025-09-14.

Conditions:
Hereditary cancer-predisposing syndrome. Also called: Hereditary neoplastic syndrome; Tumor predisposition; Hereditary Cancer Syndrome; Neoplastic Syndromes, Hereditary. Identifiers: Orphanet 140162, MedGen C0027672, MeSH D009386, MONDO:0015356.
Colorectal cancer, susceptibility to, 12 (CRCS12). Also called: COLORECTAL CANCER, SUSCEPTIBILITY TO, ON CHROMOSOME 12q24. Identifiers: Orphanet 220460, MedGen C3554460, MONDO:0014038, OMIM 615083.

Allele frequency attached by ClinVar (database versions not stated): gnomAD exomes below 0.00001 and 0.00002; ExAC 0.00002; gnomAD 0.00003; TOPMed 0.00003; ESP Exome Variant Server 0.00008; 1000 Genomes Project 30x 0.00016; 1000 Genomes Project 0.00020.
gnomAD v4.1: 9 of 1,604,968 alleles (0.00056%); highest among the groups gnomAD compares: African/African-American, 0.0093%; no homozygotes.

Submissions (4):

Labcorp Genetics (formerly Invitae), Labcorp
Classification: Uncertain significance. Last evaluated: 2025-09-14. Review status: criteria provided, single submitter. Criteria: Invitae Variant Classification Sherloc (09022015). Collection method: clinical testing. Allele origin: germline.
Comment: This sequence change replaces alanine, which is neutral and non-polar, with valine, which is neutral and non-polar, at codon 1126 of the POLE protein (p.Ala1126Val). This variant is present in population databases (rs373707446, gnomAD 0.03%). This variant has not been reported in the literature in individuals affected with POLE-related conditions. ClinVar contains an entry for this variant (Variation ID: 405808). An algorithm developed to predict the effect of missense changes on protein structure and function (PolyPhen-2) suggests that this variant is likely to be tolerated. Studies have shown that this missense change is associated with inconclusive levels of altered splicing (internal data). In summary, the available evidence is currently insufficient to determine the role of this variant in disease. Therefore, it has been classified as a Variant of Uncertain Significance.

GeneDx
Classification: Uncertain significance. Last evaluated: 2025-07-09. Review status: criteria provided, single submitter. Criteria: GeneDx Variant Classification Process June 2021. Collection method: clinical testing. Allele origin: germline.
Comment: Not observed at significant frequency in large population cohorts (gnomAD); In silico analysis suggests that this missense variant does not alter protein structure/function; Has not been previously published as pathogenic or benign to our knowledge

Ambry Genetics
Classification: Likely benign for Hereditary cancer-predisposing syndrome. Last evaluated: 2024-10-17. Review status: criteria provided, single submitter. Criteria: Ambry Variant Classification Scheme 2023. Collection method: clinical testing. Allele origin: germline.

Quest Diagnostics Nichols Institute San Juan Capistrano
Classification: Uncertain significance. Last evaluated: 2018-04-17. Review status: criteria provided, single submitter. Criteria: Quest Diagnostics criteria. Collection method: clinical testing. Allele origin: germline.

NM_006231.4(POLE):c.3377C>T (p.Ala1126Val)

Gene: POLE (DNA polymerase epsilon, catalytic subunit; minus strand). Cytogenetic location: 12q24.33.
Variant type: single nucleotide variant.
Coding change: c.3377C>T on transcript NM_006231.4 (MANE Select); coding-DNA position 3377, C replaced by T.
Protein change: p.Ala1126Val; replaces alanine 1126 with valine.
Molecular consequence: missense variant.
Genome position (GRCh38, 1-based): chr12:132,657,869, G>A on the plus strand (C>T on the coding strand, the complement: POLE is on the minus strand). VCF-style: chr12-132657869-G-A. GRCh37 (hg19) VCF-style: chr12-133234455-G-A.
Other names: c.3377C>T (NM_006231.2); short protein forms A1126V.
Identifiers: ClinVar variation 405808 (VCV000405808.18), dbSNP rs373707446, ClinGen allele CA6893268.